The following is an entry in ClinVar:

ClinVar aggregate classification (germline): Likely pathogenic (1 of 4 stars; one submission).

Allele frequency attached by ClinVar (database versions not stated): gnomAD exomes below 0.00001; ExAC 0.00001; ESP Exome Variant Server 0.00008.
gnomAD v4.1: 1 of 1,614,062 alleles (0.000062%); highest among the groups gnomAD compares: Non-Finnish European, 0.000085%; no homozygotes.

Submission:

Labcorp Genetics (formerly Invitae), Labcorp
Classification: Likely pathogenic. Last evaluated: 2021-09-04. Review status: criteria provided, single submitter. Criteria: Invitae Variant Classification Sherloc (09022015). Collection method: clinical testing. Allele origin: germline.
Comment: Algorithms developed to predict the effect of sequence changes on RNA splicing suggest that this variant may disrupt the consensus splice site. In summary, the currently available evidence indicates that the variant is pathogenic, but additional data are needed to prove that conclusively. Therefore, this variant has been classified as Likely Pathogenic. This variant has not been reported in the literature in individuals affected with EMC1-related conditions. This sequence change affects an acceptor splice site in intron 4 of the EMC1 gene. It is expected to disrupt RNA splicing. Variants that disrupt the donor or acceptor splice site typically lead to a loss of protein function (PMID: 16199547), and loss-of-function variants in EMC1 are known to be pathogenic (PMID: 26572623, 26942288, 29271071). This variant is present in population databases (rs150431800, ExAC 0.001%).

Literature cited by the submitters: PubMed 16199547; PubMed 26572623; PubMed 26942288; PubMed 29271071.

NM_015047.3(EMC1):c.381-2A>C

Gene: EMC1 (ER membrane protein complex subunit 1; minus strand). Cytogenetic location: 1p36.13.
Variant type: single nucleotide variant.
Coding change: c.381-2A>C on transcript NM_015047.3 (MANE Select); the canonical splice acceptor site of the intron before coding-DNA position 381, A replaced by C.
Molecular consequence: splice acceptor variant.
Genome position (GRCh38, 1-based): chr1:19,242,475, T>G on the plus strand (A>C on the coding strand, the complement: EMC1 is on the minus strand). VCF-style: chr1-19242475-T-G. GRCh37 (hg19) VCF-style: chr1-19568969-T-G.
Other names: c.315-2A>C (NM_001271429.2); c.381-2A>C (NM_001271427.2, NM_001375821.1, NM_001271428.2 and 1 more transcripts).
Identifiers: ClinVar variation 1487787 (VCV001487787.6), dbSNP rs150431800, ClinGen allele CA652922.